The following is an entry in ClinVar:

ClinVar aggregate classification (germline): Uncertain significance. Review status: criteria provided, multiple submitters, no conflicts (2 of 4 stars). 3 submissions from 3 submitters: Uncertain significance (3). Last evaluated 2025-02-01.

Conditions:
Facioscapulohumeral muscular dystrophy 2 (FSHD2). Also called: MUSCULAR DYSTROPHY, FACIOSCAPULOHUMERAL, TYPE 1B; FACIOSCAPULOHUMERAL MUSCULAR DYSTROPHY 2, DIGENIC; FSHD2, DIGENIC. Identifiers: Orphanet 269, MedGen C1834671, MONDO:0008031, OMIM 158901.
Inborn genetic diseases. Identifiers: MedGen C0950123, MeSH D030342.

Allele frequency attached by ClinVar (database versions not stated): gnomAD exomes 0.00002; ExAC 0.00005; gnomAD 0.00011 and 0.00012; TOPMed 0.00015; ESP Exome Variant Server 0.00017.
gnomAD v4.1: 23 of 1,602,896 alleles (0.0014%); highest among the groups gnomAD compares: African/African-American, 0.025%; no homozygotes.

Submissions (3):

Ambry Genetics
Classification: Uncertain significance for Inborn genetic diseases. Last evaluated: 2025-02-01. Review status: criteria provided, single submitter. Criteria: Ambry Variant Classification Scheme 2023. Collection method: clinical testing. Allele origin: germline.

Labcorp Genetics (formerly Invitae), Labcorp
Classification: Uncertain significance for Facioscapulohumeral muscular dystrophy 2. Last evaluated: 2024-06-13. Review status: criteria provided, single submitter. Criteria: Invitae Variant Classification Sherloc (09022015). Collection method: clinical testing. Allele origin: germline.
Comment: This sequence change replaces proline, which is neutral and non-polar, with alanine, which is neutral and non-polar, at codon 1595 of the SMCHD1 protein (p.Pro1595Ala). This variant is present in population databases (rs369179110, gnomAD 0.03%). This variant has not been reported in the literature in individuals affected with SMCHD1-related conditions. ClinVar contains an entry for this variant (Variation ID: 598483). Advanced modeling of protein sequence and biophysical properties (such as structural, functional, and spatial information, amino acid conservation, physicochemical variation, residue mobility, and thermodynamic stability) performed at Invitae indicates that this missense variant is not expected to disrupt SMCHD1 protein function with a negative predictive value of 80%. In summary, the available evidence is currently insufficient to determine the role of this variant in disease. Therefore, it has been classified as a Variant of Uncertain Significance.

Eurofins Ntd Llc (ga)
Classification: Uncertain significance. Last evaluated: 2018-08-23. Review status: criteria provided, single submitter. Criteria: EGL ClinVar v180209 classification definitions. Collection method: clinical testing. Allele origin: germline. Observed: 1 variant allele, 1 heterozygote.

NM_015295.3(SMCHD1):c.4783C>G (p.Pro1595Ala)

Gene: SMCHD1 (structural maintenance of chromosomes flexible hinge domain containing 1; plus strand). Cytogenetic location: 18p11.32.
Variant type: single nucleotide variant.
Coding change: c.4783C>G on transcript NM_015295.3 (MANE Select); coding-DNA position 4783, C replaced by G.
Protein change: p.Pro1595Ala; replaces proline 1595 with alanine.
Molecular consequence: missense variant.
Genome position (GRCh38, 1-based): chr18:2,769,757, C>G. VCF-style: chr18-2769757-C-G. GRCh37 (hg19) VCF-style: chr18-2769755-C-G.
Other names: c.4783C>G (NM_015295.2); short protein forms P1595A.
Identifiers: ClinVar variation 598483 (VCV000598483.14), dbSNP rs369179110, ClinGen allele CA8871569.
Genomic context (GRCh38, chr18:2,769,757, plus strand): 5'-CTGGTGCTGGCAGAAAGTAGTCCTGGAAGGGATAGTACTGAATATTTTATTGTATTTGAG[C>G]CCCGGCTACCACTTTTATCAAGAACCTTAGAACCATATATCCTACCGTTCATGTTTTACA-3'
Protein context (NP_056110.2, residues 1585-1605): DSTEYFIVFE[Pro1595Ala]RLPLLSRTLE